The following is an entry in ClinVar:

NM_001330288.2(SMARCC2):c.2781G>A (p.Met927Ile)

Gene: SMARCC2 (SWI/SNF related BAF chromatin remodeling complex subunit C2; minus strand). Cytogenetic location: 12q13.2.
Variant type: single nucleotide variant.
Coding change: c.2781G>A on transcript NM_001330288.2 (MANE Select); coding-DNA position 2781, G replaced by A.
Protein change: p.Met927Ile; replaces methionine 927 with isoleucine.
Molecular consequence: missense variant.
Genome position (GRCh38, 1-based): chr12:56,168,129, C>T on the plus strand (G>A on the coding strand, the complement: SMARCC2 is on the minus strand). VCF-style: chr12-56168129-C-T. GRCh37 (hg19) VCF-style: chr12-56561913-C-T.
Other names: c.2781G>A, p.Met927Ile (NM_001130420.3, NM_139067.4); c.2688G>A, p.Met896Ile (NM_003075.5); short protein forms M896I, M927I.
Identifiers: ClinVar variation 3772169 (VCV003772169.13).
Genomic context (GRCh38, chr12:56,168,129, plus strand): 5'-CTCCCGGTCCATGATAGTCTCCAGCTCCTCAAAGTGCCGAAGTTTGATCTCCAACTTTTT[C>T]ATCTGGGTCTCCACCAGCAGGGCCACCAAAGATTTGATCTTCCTTTCCTCAACAGCAGCC-3'
Protein context (NP_001317217.1, residues 917-937): SLVALLVETQ[Met927Ile]KKLEIKLRHF

ClinVar aggregate classification (germline): Uncertain significance (1 of 4 stars; one submission).

Submission:

CeGaT Center for Human Genetics Tuebingen
Classification: Uncertain significance. Last evaluated: 2024-12-01. Review status: criteria provided, single submitter. Criteria: CeGaT Center For Human Genetics Tuebingen Variant Classification Criteria Version 2. Collection method: clinical testing. Allele origin: germline. Affected: yes. Observed: 1 variant allele.
Comment: SMARCC2: PM2, PM5, PP2